The following is an entry in ClinVar:

NM_000245.4(MET):c.740T>A (p.Ile247Asn)

Gene: MET (MET proto-oncogene, receptor tyrosine kinase; plus strand). Cytogenetic location: 7q31.2.
Variant type: single nucleotide variant.
Coding change: c.740T>A on transcript NM_000245.4 (MANE Select); coding-DNA position 740, T replaced by A.
Protein change: p.Ile247Asn; replaces isoleucine 247 with asparagine.
Molecular consequence: missense variant. On other transcripts: intron variant (1).
Genome position (GRCh38, 1-based): chr7:116,699,824, T>A. VCF-style: chr7-116699824-T-A. GRCh37 (hg19) VCF-style: chr7-116339878-T-A.
Other names: c.740T>A, p.Ile247Asn (NM_001127500.3, NM_001324401.3); c.-91+27247T>A (NM_001324402.2); short protein forms I247N.
Identifiers: ClinVar variation 4743436 (VCV004743436.1).

ClinVar aggregate classification (germline): Uncertain significance (1 of 4 stars; one submission).

Conditions:
Renal cell carcinoma. Identifiers: Orphanet 217071, MedGen C0007134, MeSH D002292, MONDO:0005086, HP:0005584.

Submission:

Labcorp Genetics (formerly Invitae), Labcorp
Classification: Uncertain significance for Renal cell carcinoma. Last evaluated: 2025-11-09. Review status: criteria provided, single submitter. Criteria: Invitae Variant Classification Sherloc (09022015). Collection method: clinical testing. Allele origin: germline.
Comment: This sequence change replaces isoleucine, which is neutral and non-polar, with asparagine, which is neutral and polar, at codon 247 of the MET protein (p.Ile247Asn). This variant is not present in population databases (gnomAD no frequency). This variant has not been reported in the literature in individuals affected with MET-related conditions. Invitae Evidence Modeling of protein sequence and biophysical properties (such as structural, functional, and spatial information, amino acid conservation, physicochemical variation, residue mobility, and thermodynamic stability) indicates that this missense variant is expected to disrupt MET protein function with a positive predictive value of 80%. In summary, the available evidence is currently insufficient to determine the role of this variant in disease. Therefore, it has been classified as a Variant of Uncertain Significance.